The following is an entry in ClinVar:

ClinVar aggregate classification (germline): Uncertain significance (1 of 4 stars; one submission).

Conditions:
Inborn genetic diseases. Identifiers: MedGen C0950123, MeSH D030342.

Submission:

Ambry Genetics
Classification: Uncertain significance for Inborn genetic diseases. Last evaluated: 2021-10-13. Review status: criteria provided, single submitter. Criteria: Ambry Variant Classification Scheme 2023. Collection method: clinical testing. Allele origin: germline.
Comment: The p.L695R variant (also known as c.2084T>G), located in coding exon 13 of the EPAS1 gene, results from a T to G substitution at nucleotide position 2084. The leucine at codon 695 is replaced by arginine, an amino acid with dissimilar properties. This amino acid position is conserved. In addition, this alteration is predicted to be tolerated by in silico analysis. Since supporting evidence is limited at this time, the clinical significance of this alteration remains unclear.

NM_001430.5(EPAS1):c.2084T>G (p.Leu695Arg)

Gene: EPAS1 (endothelial PAS domain protein 1; plus strand). Cytogenetic location: 2p21.
Variant type: single nucleotide variant.
Coding change: c.2084T>G on transcript NM_001430.5 (MANE Select); coding-DNA position 2084, T replaced by G.
Protein change: p.Leu695Arg; replaces leucine 695 with arginine.
Molecular consequence: missense variant.
Genome position (GRCh38, 1-based): chr2:46,381,634, T>G. VCF-style: chr2-46381634-T-G. GRCh37 (hg19) VCF-style: chr2-46608773-T-G.
Other names: short protein forms L695R.
Identifiers: ClinVar variation 1785619 (VCV001785619.2), dbSNP rs2546479473, ClinGen allele CA346705496.
Genomic context (GRCh38, chr2:46,381,634, plus strand): 5'-CCTGCTCTCTCGGGCTTGGCAGGTCTGCAAAGGGTTTTGGGGCTCGAGGCCCAGACGTGC[T>G]GAGTCCGGCCATGGTAGCCCTCTCCAACAAGCTGAAGCTGAAGCGACAGCTGGAGTATGA-3'
Protein context (NP_001421.2, residues 685-705): KGFGARGPDV[Leu695Arg]SPAMVALSNK